The following is an entry in ClinVar:

NM_015338.6(ASXL1):c.1972G>C (p.Gly658Arg)

Gene: ASXL1 (ASXL transcriptional regulator 1; plus strand). Cytogenetic location: 20q11.21.
Variant type: single nucleotide variant.
Coding change: c.1972G>C on transcript NM_015338.6 (MANE Select); coding-DNA position 1972, G replaced by C.
Protein change: p.Gly658Arg; replaces glycine 658 with arginine.
Molecular consequence: missense variant.
Genome position (GRCh38, 1-based): chr20:32,434,684, G>C. VCF-style: chr20-32434684-G-C. GRCh37 (hg19) VCF-style: chr20-31022487-G-C.
Other names: c.1789G>C, p.Gly597Arg (NM_001363734.1); short protein forms G658R, G597R.
Identifiers: ClinVar variation 4158705 (VCV004158705.1).

ClinVar aggregate classification (germline): Uncertain significance (1 of 4 stars; one submission).

Conditions:
Inborn genetic diseases. Identifiers: MedGen C0950123, MeSH D030342.

Submission:

Ambry Genetics
Classification: Uncertain significance for Inborn genetic diseases. Last evaluated: 2025-08-07. Review status: criteria provided, single submitter. Criteria: Ambry Variant Classification Scheme 2023. Collection method: clinical testing. Allele origin: germline.
Comment: The p.G658R variant (also known as c.1972G>C), located in coding exon 13 of the ASXL1 gene, results from a G to C substitution at nucleotide position 1972. The glycine at codon 658 is replaced by arginine, an amino acid with dissimilar properties. This amino acid position is conserved. In addition, the in silico prediction for this alteration is inconclusive. Based on the available evidence, the clinical significance of this variant remains unclear.